The following is an entry in ClinVar:

ClinVar aggregate classification (germline): Uncertain significance (1 of 4 stars; one submission).

Conditions:
Encephalopathy, acute, infection-induced (herpes-specific), susceptibility to, 1. Also called: Herpes simplex encephalitis, susceptibility to, 1. Identifiers: Orphanet 1930, MedGen C2750180, MONDO:0024563, OMIM 610551.

Allele frequency attached by ClinVar (database versions not stated): gnomAD exomes below 0.00001; gnomAD 0.00001.

Submission:

Labcorp Genetics (formerly Invitae), Labcorp
Classification: Uncertain significance for Encephalopathy, acute, infection-induced (herpes-specific), susceptibility to, 1. Last evaluated: 2025-11-03. Review status: criteria provided, single submitter. Criteria: Invitae Variant Classification Sherloc (09022015). Collection method: clinical testing. Allele origin: germline.
Comment: This sequence change replaces arginine, which is basic and polar, with cysteine, which is neutral and slightly polar, at codon 401 of the UNC93B1 protein (p.Arg401Cys). This variant is not present in population databases (gnomAD no frequency). This variant has not been reported in the literature in individuals affected with UNC93B1-related conditions. ClinVar contains an entry for this variant (Variation ID: 841919). Experimental studies and prediction algorithms are not available or were not evaluated, and the functional significance of this variant is currently unknown. In summary, the available evidence is currently insufficient to determine the role of this variant in disease. Therefore, it has been classified as a Variant of Uncertain Significance.

NM_030930.4(UNC93B1):c.1201C>T (p.Arg401Cys)

Gene: UNC93B1 (unc-93B1 regulator of TLR signaling; minus strand). Cytogenetic location: 11q13.2.
Variant type: single nucleotide variant.
Coding change: c.1201C>T on transcript NM_030930.4 (MANE Select); coding-DNA position 1201, C replaced by T.
Protein change: p.Arg401Cys; replaces arginine 401 with cysteine.
Molecular consequence: missense variant.
Genome position (GRCh38, 1-based): chr11:67,995,773, G>A on the plus strand (C>T on the coding strand, the complement: UNC93B1 is on the minus strand). VCF-style: chr11-67995773-G-A. GRCh37 (hg19) VCF-style: chr11-67763244-G-A.
Other names: short protein forms R401C.
Identifiers: ClinVar variation 841919 (VCV000841919.9), dbSNP rs1590759976, ClinGen allele CA381570712.